The following is an entry in ClinVar:

NM_000232.5(SGCB):c.661_662insGGCCGGGCGCGGTGGCTCACGCCTGTAATCCCAGCACTTTGGGAGGCCGAGGCGGGCGGATCACGAGGTCNNNNNNNNNNAAAAAAAAAAAAAAAAAAAAAAAAGTTG (p.Val220_Asp221insGlyProGlyAlaValAlaHisAlaCysAsnProSerThrLeuGlyGlyArgGlyGlyArgIleThrArgSerXaaXaaXaaLysLysLysLysLysLysLysLysVal)

Gene: SGCB (sarcoglycan beta; minus strand). Cytogenetic location: 4q12.
Variant type: Insertion.
Coding change: c.661_662insGGCCGGGCGCGGTGGCTCACGCCTGTAATCCCAGCACTTTGGGAGGCCGAGGCGGGCGGATCACGAGGTCNNNNNNNNNNAAAAAAAAAAAAAAAAAAAAAAAAGTTG on transcript NM_000232.5 (MANE Select); coding-DNA positions 661 to 662, GGCCGGGCGCGGTGGCTCACGCCTGTAATCCCAGCACTTTGGGAGGCCGAGGCGGGCGGATCACGAGGTCNNNNNNNNNNAAAAAAAAAAAAAAAAAAAAAAAAGTTG inserted.
Protein change: p.Val220_Asp221insGlyProGlyAlaValAlaHisAlaCysAsnProSerThrLeuGlyGlyArgGlyGlyArgIleThrArgSerXaaXaaXaaLysLysLysLysLysLysLysLysVal.
Molecular consequence: inframe insertion.
Genome position: GRCh38: chr4:52,028,067-52,028,068. GRCh37 (hg19): chr4:52,894,233-52,894,234.
Identifiers: ClinVar variation 2133941 (VCV002133941.4), dbSNP rs2475220056.

ClinVar aggregate classification (germline): Pathogenic (1 of 4 stars; one submission).

Conditions:
Autosomal recessive limb-girdle muscular dystrophy type 2E (LGMDR4). Also called: MUSCULAR DYSTROPHY, LIMB-GIRDLE, AUTOSOMAL RECESSIVE 4. Identifiers: Orphanet 119, MedGen C1858593, MONDO:0011423, OMIM 604286. Disease mechanism: Affects gamma-sarcoglycan and also disrupts the integrity of the entire sarcoglycan complex..

Submission:

Labcorp Genetics (formerly Invitae), Labcorp
Classification: Pathogenic for Autosomal recessive limb-girdle muscular dystrophy type 2E. Last evaluated: 2022-05-05. Review status: criteria provided, single submitter. Criteria: Invitae Variant Classification Sherloc (09022015). Collection method: clinical testing. Allele origin: germline.
Comment: Algorithms developed to predict the effect of sequence changes on RNA splicing suggest that this variant may disrupt the consensus splice site. This variant has not been reported in the literature in individuals affected with SGCB-related conditions. This variant is not present in population databases (gnomAD no frequency). This sequence change inserts a large fragment of DNA, likely a transposable element, in exon 5 of the SGCB gene (c.661_662ins?), causing a frameshift at codon 221 (p.Asp221fs). The exact size and sequence of the insertion cannot be determined by the current assay. However, the insertion is expected to result in an absent or disrupted protein product. For these reasons, this variant has been classified as Pathogenic. Retrotransposon insertions including LINE1 (L1), Alu, and SVA (SINE-VNTR-Alu) have been reported to be disease-causing through disruption of either a coding region or splice site (PMID: 19763152, 20307669, 22406018) and loss-of-function variants in SGCB are known to be pathogenic (PMID: 15938573, 18285821).

Literature cited by the submitters: PubMed 19763152; PubMed 20307669; PubMed 22406018; PubMed 15938573; PubMed 18285821.